The following is an entry in ClinVar:

ClinVar aggregate classification (germline): Uncertain significance (1 of 4 stars; one submission).

Submission:

Labcorp Genetics (formerly Invitae), Labcorp
Classification: Uncertain significance. Last evaluated: 2022-11-01. Review status: criteria provided, single submitter. Criteria: Invitae Variant Classification Sherloc (09022015). Collection method: clinical testing. Allele origin: germline.
Comment: This variant, c.131_132insCGGCGACTTCGGCGGCGGCGACTTCGGTGG, results in the insertion of 10 amino acid(s) of the FAM46A protein (p.Asp36_Gly45dup), but otherwise preserves the integrity of the reading frame. This variant is not present in population databases (gnomAD no frequency). This variant has not been reported in the literature in individuals affected with FAM46A-related conditions. ClinVar contains an entry for this variant (Variation ID: 1680614). Experimental studies and prediction algorithms are not available or were not evaluated, and the functional significance of this variant is currently unknown. In summary, the available evidence is currently insufficient to determine the role of this variant in disease. Therefore, it has been classified as a Variant of Uncertain Significance.

NM_017633.3(TENT5A):c.131_132insCGGCGACTTCGGCGGCGGCGACTTCGGTGG (p.26DFGGG[6])

Gene: TENT5A (terminal nucleotidyltransferase 5A; minus strand). Cytogenetic location: 6q14.1.
Variant type: Insertion.
Coding change: c.131_132insCGGCGACTTCGGCGGCGGCGACTTCGGTGG on transcript NM_017633.3 (MANE Select); coding-DNA positions 131 to 132, CGGCGACTTCGGCGGCGGCGACTTCGGTGG inserted.
Protein change: p.26DFGGG[6].
Molecular consequence: inframe insertion.
Genome position: GRCh38 VCF-style: chr6-81752010-A-ACCACCGAAGTCGCCGCCGCCGAAGTCGCCG. GRCh37 (hg19) VCF-style: chr6-82461727-A-ACCACCGAAGTCGCCGCCGCCGAAGTCGCCG.
Identifiers: ClinVar variation 1680614 (VCV001680614.5), dbSNP rs1554200533, ClinGen allele CA1091105366.